The following is an entry in ClinVar:

ClinVar aggregate classification (germline): Likely pathogenic. Review status: criteria provided, multiple submitters, no conflicts (2 of 4 stars). 3 submissions from 3 submitters: Likely pathogenic (3). Last evaluated 2025-09-24.

Conditions:
Peroxisome biogenesis disorder 9B. Also called: PEX7-Related Refsum Disease; PEROXISOME BIOGENESIS DISORDER, PEX7-RELATED, ATYPICAL; Refsum disease, adult, 2. Identifiers: Orphanet 773, MedGen C2749346, MONDO:0013945, OMIM 614879.
Rhizomelic chondrodysplasia punctata (RCDP). Identifiers: Orphanet 177, MedGen C0282529, MONDO:0015776. Disease mechanism: loss of function.

Allele frequency attached by ClinVar (database versions not stated): gnomAD exomes below 0.00001; TOPMed below 0.00001; ExAC 0.00001.
gnomAD v4.1: 1 of 1,580,052 alleles (0.000063%); highest among the groups gnomAD compares: Admixed American, 0.0017%; no homozygotes.

Submissions (4):

Natera, Inc.
Classification: Likely pathogenic for Rhizomelic Chondrodysplasia Punctata. Last evaluated: 2025-09-24. Review status: criteria provided, single submitter. Criteria: Natera Variant Classification Schema (03/2026). Collection method: clinical testing. Allele origin: germline.
Comment: The c.340-1G>T variant in PEX7 is a canonical splice acceptor site variant predicted to affect pre-mRNA splicing, which may result in an abnormal transcript and altered protein product. This variant is expected to result in nonsense mediated decay, truncation, or a dysfunctional protein product. This variant is rare in the general population with a frequency below the threshold expected for the associated phenotype(s). Given the available evidence, this variant is classified as Likely Pathogenic.

Labcorp Genetics (formerly Invitae), Labcorp
Classification: Likely pathogenic for Peroxisome biogenesis disorder 9B. Last evaluated: 2024-02-18. Review status: criteria provided, single submitter. Criteria: Invitae Variant Classification Sherloc (09022015). Collection method: clinical testing. Allele origin: germline.
Comment: This sequence change affects an acceptor splice site in intron 3 of the PEX7 gene. It is expected to disrupt RNA splicing. Variants that disrupt the donor or acceptor splice site typically lead to a loss of protein function (PMID: 16199547), and loss-of-function variants in PEX7 are known to be pathogenic (PMID: 12325024, 12522768, 20301447). This variant is present in population databases (rs780751870, gnomAD 0.003%). This variant has not been reported in the literature in individuals affected with PEX7-related conditions. ClinVar contains an entry for this variant (Variation ID: 1482899). Algorithms developed to predict the effect of sequence changes on RNA splicing suggest that this variant may disrupt the consensus splice site. In summary, the currently available evidence indicates that the variant is pathogenic, but additional data are needed to prove that conclusively. Therefore, this variant has been classified as Likely Pathogenic.

Baylor Genetics
Classification: Likely pathogenic for Peroxisome biogenesis disorder 9B. Last evaluated: 2024-01-18. Review status: criteria provided, single submitter. Criteria: ACMG Guidelines, 2015. Collection method: clinical testing. Allele origin: unknown.

Dr. Peter K. Rogan Lab, Western University
No classification provided (evidence only). Condition: Melanoma. Review status: no classification provided. Collection method: in vitro. Allele origin: not applicable. Functional consequence: retained intron. Not counted in ClinVar's aggregate classification.

Literature cited by the submitters: PubMed 16199547 (cited by Labcorp Genetics (formerly Invitae), Labcorp); PubMed 12325024 (cited by Labcorp Genetics (formerly Invitae), Labcorp); PubMed 12522768 (cited by Labcorp Genetics (formerly Invitae), Labcorp); PubMed 20301447 (cited by Labcorp Genetics (formerly Invitae), Labcorp).

NM_000288.4(PEX7):c.340-1G>T

Gene: PEX7 (peroxisomal biogenesis factor 7; plus strand). Cytogenetic location: 6q23.3.
Variant type: single nucleotide variant.
Coding change: c.340-1G>T on transcript NM_000288.4 (MANE Select); the canonical splice acceptor site of the intron before coding-DNA position 340, G replaced by T.
Molecular consequence: splice acceptor variant.
Genome position (GRCh38, 1-based): chr6:136,845,614, G>T. VCF-style: chr6-136845614-G-T. GRCh37 (hg19) VCF-style: chr6-137166752-G-T.
Other names: c.226-1G>T (NM_001410945.1); c.340-1G>T (NM_000288.3).
Identifiers: ClinVar variation 1482899 (VCV001482899.9), dbSNP rs780751870, ClinGen allele CA4017583.